The following is an entry in ClinVar:

NM_020884.7(MYH7B):c.833_834insA (p.Phe278fs)

Gene: MYH7B (myosin heavy chain 7B; plus strand). Cytogenetic location: 20q11.22.
Variant type: Insertion.
Coding change: c.833_834insA on transcript NM_020884.7 (MANE Select); coding-DNA positions 833 to 834, A inserted.
Protein change: p.Phe278fs; shifts the reading frame from phenylalanine 278.
Molecular consequence: frameshift variant.
Genome position: GRCh38 VCF-style: chr20-34986127-T-TA. GRCh37 (hg19) VCF-style: chr20-33573930-T-TA.
Other names: short protein forms F278fs.
Identifiers: ClinVar variation 2993249 (VCV002993249.3), dbSNP rs2082017624, ClinGen allele CA1017160214.

ClinVar aggregate classification (germline): Uncertain significance (1 of 4 stars; one submission).

Allele frequency attached by ClinVar (database versions not stated): TOPMed below 0.00001; gnomAD 0.00001.

Submission:

Labcorp Genetics (formerly Invitae), Labcorp
Classification: Uncertain significance. Last evaluated: 2023-03-19. Review status: criteria provided, single submitter. Criteria: Invitae Variant Classification Sherloc (09022015). Collection method: clinical testing. Allele origin: germline.
Comment: In summary, the available evidence is currently insufficient to determine the role of this variant in disease. Therefore, it has been classified as a Variant of Uncertain Significance. Algorithms developed to predict the effect of sequence changes on RNA splicing suggest that this variant may disrupt the consensus splice site. This variant has not been reported in the literature in individuals affected with MYH7B-related conditions. This variant is not present in population databases (gnomAD no frequency). This sequence change creates a premature translational stop signal (p.Phe320Leufs*6) in the MYH7B gene. It is expected to result in an absent or disrupted protein product. However, the current clinical and genetic evidence is not sufficient to establish whether loss-of-function variants in MYH7B cause disease.